The following is an entry in ClinVar:

ClinVar aggregate classification (germline): Uncertain significance (1 of 4 stars; one submission).

Conditions:
Deficiency of ferroxidase (ACEP). Also called: NEURODEGENERATION WITH BRAIN IRON ACCUMULATION 10; Aceruloplasminemia; Ceruloplasmin deficiency; Familial apoceruloplasmin deficiency; Hereditary ceruloplasmin deficiency; Deficiency of ceruloplasmin. Identifiers: Orphanet 48818, MedGen C0878682, MONDO:0011426, OMIM 604290, HP:0025498.

gnomAD v4.1: 1 of 1,611,852 alleles (0.000062%); no homozygotes.

Submission:

Labcorp Genetics (formerly Invitae), Labcorp
Classification: Uncertain significance for Deficiency of ferroxidase. Last evaluated: 2022-06-21. Review status: criteria provided, single submitter. Criteria: Invitae Variant Classification Sherloc (09022015). Collection method: clinical testing. Allele origin: germline.
Comment: This variant has not been reported in the literature in individuals affected with CP-related conditions. In summary, the available evidence is currently insufficient to determine the role of this variant in disease. Therefore, it has been classified as a Variant of Uncertain Significance. Algorithms developed to predict the effect of missense changes on protein structure and function (SIFT, PolyPhen-2, Align-GVGD) all suggest that this variant is likely to be tolerated. This variant is not present in population databases (gnomAD no frequency). This sequence change replaces lysine, which is basic and polar, with glutamine, which is neutral and polar, at codon 799 of the CP protein (p.Lys799Gln).

NM_000096.4(CP):c.2395A>C (p.Lys799Gln)

Gene: CP (ceruloplasmin; minus strand). Cytogenetic location: 3q24.
Variant type: single nucleotide variant.
Coding change: c.2395A>C on transcript NM_000096.4 (MANE Select); coding-DNA position 2395, A replaced by C.
Protein change: p.Lys799Gln; replaces lysine 799 with glutamine.
Molecular consequence: missense variant. On other transcripts: non-coding transcript variant (1).
Genome position (GRCh38, 1-based): chr3:149,183,496, T>G on the plus strand (A>C on the coding strand, the complement: CP is on the minus strand). VCF-style: chr3-149183496-T-G. GRCh37 (hg19) VCF-style: chr3-148901283-T-G.
Other names: short protein forms K799Q.
Identifiers: ClinVar variation 2003431 (VCV002003431.4), dbSNP rs2472753558, ClinGen allele CA354931314.